The following is an entry in ClinVar:

ClinVar aggregate classification (germline): Uncertain significance (1 of 4 stars; one submission).

Conditions:
Floating-Harbor syndrome (FLHS). Also called: SRCAP-Related Floating-Harbor Syndrome; Short stature with delayed bone age, expressive language delay, a triangular face with a prominent nose and deep-set eyes; Pelletier-Leisti syndrome. Identifiers: Orphanet 2044, MedGen C0729582, MONDO:0007621, OMIM 136140.

gnomAD v4.1: 14 of 1,614,090 alleles (0.00087%); highest among the groups gnomAD compares: Non-Finnish European, 0.0012%; no homozygotes.

Submission:

Victorian Clinical Genetics Services, Murdoch Childrens Research Institute
Classification: Uncertain significance for Floating-Harbor syndrome. Last evaluated: 2022-02-02. Review status: criteria provided, single submitter. Criteria: ACMG Guidelines, 2015. Collection method: clinical testing. Allele origin: germline. Inheritance: Autosomal dominant inheritance.
Comment: Based on the classification scheme VCGS_Germline_v1.3.4, this variant is classified as VUS-3C. Following criteria are met: 0104 - Dominant negative is the likely mechanism of disease in this gene relating to the cluster of pathogenic protein truncating variants in SRCAP exons 33 and 34 and is associated with Floating Harbour syndrome (MIM#136140) (PMID: 22265015, GeneReviews). The disease mechanism associated with missense variants is currently unclear. (I) 0107 - This gene is associated with autosomal dominant disease. (I) 0200 - Variant is predicted to result in a missense amino acid change from aspartic acid to asparagine. (I) 0251 - This variant is heterozygous. (I) 0301 - Variant is absent from gnomAD (both v2 and v3). (SP) 0503 - Missense variant consistently predicted to be tolerated by multiple in silico tools or not conserved in placental mammals with a minor amino acid change. (SB) 0604 - Variant is not located in an established domain, motif, hotspot or informative constraint region. (I) 0705 - No comparable missense variants have previous evidence for pathogenicity. (I) 0807 - This variant has no previous evidence of pathogenicity. (I) 0905 - No published segregation evidence has been identified for this variant. (I) 1007 - No published functional evidence has been identified for this variant. (I) 1208 - Inheritance information for this variant is not currently available in this individual. (I) Legend: (SP) - Supporting pathogenic, (I) - Information, (SB) - Supporting benign

Literature cited by the submitters: PubMed 22265015.

NM_006662.3(SRCAP):c.1693G>A (p.Asp565Asn)

Gene: SRCAP (Snf2 related CREBBP activator protein; plus strand). Cytogenetic location: 16p11.2.
Variant type: single nucleotide variant.
Coding change: c.1693G>A on transcript NM_006662.3 (MANE Select); coding-DNA position 1693, G replaced by A.
Protein change: p.Asp565Asn; replaces aspartic acid 565 with asparagine.
Molecular consequence: missense variant.
Genome position (GRCh38, 1-based): chr16:30,712,035, G>A. VCF-style: chr16-30712035-G-A. GRCh37 (hg19) VCF-style: chr16-30723356-G-A.
Other names: short protein forms D565N.
Identifiers: ClinVar variation 1699376 (VCV001699376.3), dbSNP rs2151288555, ClinGen allele CA395605120.